The following is an entry in ClinVar:

NM_004646.4(NPHS1):c.2590C>T (p.Arg864Cys)

Gene: NPHS1 (NPHS1 adhesion molecule, nephrin; minus strand). Cytogenetic location: 19q13.12.
Variant type: single nucleotide variant.
Coding change: c.2590C>T on transcript NM_004646.4 (MANE Select); coding-DNA position 2590, C replaced by T.
Protein change: p.Arg864Cys; replaces arginine 864 with cysteine.
Molecular consequence: missense variant.
Genome position (GRCh38, 1-based): chr19:35,842,197, G>A on the plus strand (C>T on the coding strand, the complement: NPHS1 is on the minus strand). VCF-style: chr19-35842197-G-A. GRCh37 (hg19) VCF-style: chr19-36333099-G-A.
Other names: c.2590C>T (NM_004646.3); short protein forms R864C.
Identifiers: ClinVar variation 1333306 (VCV001333306.10), dbSNP rs752712664, ClinGen allele CA9390085.
Genomic context (GRCh38, chr19:35,842,197, plus strand): 5'-GATCCAGAGGGACCCCGTTTTTTGTCCAAGTGAAAACGATGTTGGGGACACCTCGGGCAC[G>A]GCAGTGGAGGGTGGCAGAACTGGTGCTGTCTCCAGCTGCAGCCACCTTAGTTAGGGGAGT-3'
Protein context (NP_004637.1, residues 854-874): DSTSSATLHC[Arg864Cys]ARGVPNIVFT

ClinVar aggregate classification (germline): Conflicting classifications of pathogenicity. Review status: criteria provided, conflicting classifications (1 of 4 stars). 4 submissions from 4 submitters: Likely pathogenic (1); Uncertain significance (3). Last evaluated 2026-01-19.

Conditions:
Finnish congenital nephrotic syndrome (NPHS1). Also called: NEPHROTIC SYNDROME, TYPE 1. Identifiers: Orphanet 839, MedGen C0403399, MONDO:0009732, OMIM 256300.

Allele frequency attached by ClinVar (database versions not stated): gnomAD exomes 0.00005 and 0.00002; TOPMed 0.00002; gnomAD 0.00004 and 0.00003; ExAC 0.00005.

Submissions (4):

3billion
Classification: Likely pathogenic for Finnish congenital nephrotic syndrome. Last evaluated: 2026-01-19. Review status: criteria provided, single submitter. Criteria: ACMG Guidelines, 2015. Collection method: clinical testing. Allele origin: germline. Affected: yes.
Comment: The variant is observed at an extremely low frequency in the gnomAD v4.1.0 dataset (total allele frequency: 0.002%). Predicted Consequence/Location: Missense variant The same nucleotide change resulting in the same amino acid change has been previously reported to be associated with NPHS1-related disorder (PMID: 34859019 /3billion dataset).The variant has been reported to be in trans with a pathogenic variant as either compound heterozygous or homozygous in at least 2 similarly affected unrelated individuals (PMID: 34859019 /3billion dataset). Therefore, this variant is classified as Likely pathogenic according to the recommendation of ACMG/AMP guideline.

Labcorp Genetics (formerly Invitae), Labcorp
Classification: Uncertain significance. Last evaluated: 2025-06-12. Review status: criteria provided, single submitter. Criteria: Invitae Variant Classification Sherloc (09022015). Collection method: clinical testing. Allele origin: germline.
Comment: This sequence change replaces arginine, which is basic and polar, with cysteine, which is neutral and slightly polar, at codon 864 of the NPHS1 protein (p.Arg864Cys). This variant is present in population databases (rs752712664, gnomAD 0.03%). This missense change has been observed in individual(s) with autosomal recessive nephrotic syndrome (PMID: 34859019). ClinVar contains an entry for this variant (Variation ID: 1333306). Invitae Evidence Modeling of protein sequence and biophysical properties (such as structural, functional, and spatial information, amino acid conservation, physicochemical variation, residue mobility, and thermodynamic stability) has been performed for this missense variant. However, the output from this modeling did not meet the statistical confidence thresholds required to predict the impact of this variant on NPHS1 protein function. In summary, the available evidence is currently insufficient to determine the role of this variant in disease. Therefore, it has been classified as a Variant of Uncertain Significance.

Women's Health and Genetics/Laboratory Corporation of America, LabCorp
Classification: Uncertain significance. Last evaluated: 2023-08-09. Review status: criteria provided, single submitter. Criteria: LabCorp Variant Classification Summary - May 2015. Collection method: clinical testing. Allele origin: germline.
Comment: Variant summary: NPHS1 c.2590C>T (p.Arg864Cys) results in a non-conservative amino acid change located in the Immunoglobulin subtype 2 (IPR003598) of the encoded protein sequence. Four of five in-silico tools predict a damaging effect of the variant on protein function. The variant allele was found at a frequency of 4.9e-05 in 246290 control chromosomes (gnomAD). This frequency is not significantly higher than estimated for a pathogenic variant in NPHS1 causing Nephrotic Syndrome, Type 1 (4.9e-05 vs 0.0034), allowing no conclusion about variant significance. c.2590C>T has been reported in the literature in at least one individual affected with Nephrotic Syndrome (Rao_2019, Rong_2021). These reports do not provide unequivocal conclusions about association of the variant with Nephrotic Syndrome, Type 1. To our knowledge, no experimental evidence demonstrating an impact on protein function has been reported. The following publications have been ascertained in the context of this evaluation (PMID: 31328266, 34859019). Three submitters have cited clinical-significance assessments for this variant to ClinVar after 2014. All submitters classified the variant as uncertain significance. Based on the evidence outlined above, the variant was classified as uncertain significance.

Fulgent Genetics
Classification: Uncertain significance for Finnish congenital nephrotic syndrome. Last evaluated: 2021-09-13. Review status: criteria provided, single submitter. Criteria: ACMG Guidelines, 2015. Collection method: clinical testing. Allele origin: unknown.

Literature cited by the submitters: PubMed 34859019 (cited by 3 submitters); PubMed 31328266 (cited by Women's Health and Genetics/Laboratory Corporation of America, LabCorp).